The following is an entry in ClinVar:

NM_000565.4(IL6R):c.333T>C (p.Asp111=)

Gene: IL6R (interleukin 6 receptor; plus strand). Cytogenetic location: 1q21.3.
Variant type: single nucleotide variant.
Coding change: c.333T>C on transcript NM_000565.4 (MANE Select); coding-DNA position 333, T replaced by C.
Protein change: p.Asp111=; no amino-acid change (aspartic acid 111 retained).
Molecular consequence: synonymous variant. On other transcripts: intron variant (1).
Genome position (GRCh38, 1-based): chr1:154,429,443, T>C. VCF-style: chr1-154429443-T-C. GRCh37 (hg19) VCF-style: chr1-154401919-T-C.
Other names: c.333T>C, p.Asp111= (NM_001206866.2, NM_001382769.1, NM_001382770.1 and 4 more transcripts); c.126+207T>C (NM_001382774.1).
Identifiers: ClinVar variation 1364808 (VCV001364808.6), dbSNP rs1427644334, ClinGen allele CA420969738.
Genomic context (GRCh38, chr1:154,429,443, plus strand): 5'-TGGAAACTATTCATGCTACCGGGCCGGCCGCCCAGCTGGGACTGTGCACTTGCTGGTGGA[T>C]GGTGAGTTGTGCCTCAGAGGTCCCGGAGATAGTTCCCGTAAGAAATGAGGCTTTGTGCAT-3'
Protein context (NP_000556.1, residues 101-121): RPAGTVHLLV[Asp111=]VPPEEPQLSC

ClinVar aggregate classification (germline): Uncertain significance (1 of 4 stars; one submission).

Allele frequency attached by ClinVar (database versions not stated): gnomAD 0.00001; TOPMed 0.00002.
gnomAD v4.1: 2 of 1,607,084 alleles (0.00012%); no homozygotes.

Submission:

Labcorp Genetics (formerly Invitae), Labcorp
Classification: Uncertain significance. Last evaluated: 2022-09-01. Review status: criteria provided, single submitter. Criteria: Invitae Variant Classification Sherloc (09022015). Collection method: clinical testing. Allele origin: germline.
Comment: In summary, the available evidence is currently insufficient to determine the role of this variant in disease. Therefore, it has been classified as a Variant of Uncertain Significance. Algorithms developed to predict the effect of sequence changes on RNA splicing suggest that this variant is not likely to affect RNA splicing. ClinVar contains an entry for this variant (Variation ID: 1364808). This variant has not been reported in the literature in individuals affected with IL6R-related conditions. This variant is not present in population databases (gnomAD no frequency). This sequence change affects codon 111 of the IL6R mRNA. It is a 'silent' change, meaning that it does not change the encoded amino acid sequence of the IL6R protein. It affects a nucleotide within the consensus splice site.